The following is an entry in ClinVar:

NM_025132.4(WDR19):c.765G>C (p.Val255=)

Gene: WDR19 (WD repeat domain 19; plus strand). Cytogenetic location: 4p14.
Variant type: single nucleotide variant.
Coding change: c.765G>C on transcript NM_025132.4 (MANE Select); coding-DNA position 765, G replaced by C.
Protein change: p.Val255=; no amino-acid change (valine 255 retained).
Molecular consequence: synonymous variant.
Genome position (GRCh38, 1-based): chr4:39,205,611, G>C. VCF-style: chr4-39205611-G-C. GRCh37 (hg19) VCF-style: chr4-39207231-G-C.
Other names: c.285G>C, p.Val95= (NM_001317924.2).
Identifiers: ClinVar variation 618488 (VCV000618488.21), dbSNP rs750446561, ClinGen allele CA2891695.
Genomic context (GRCh38, chr4:39,205,611, plus strand): 5'-TCTTTGCTATAGGTATGGTGATGGCCGCATCATGATTGGTTTTTCATGTGGACATTTTGT[G>C]GTCATTTCTACTCATACTGGAGAGCTTGGTCAAGAGATATTTCAGGCTCGTAACCATAAA-3'
Protein context (NP_079408.3, residues 245-265): IMIGFSCGHF[Val255=]VISTHTGELG

ClinVar aggregate classification (germline): Likely benign. Review status: criteria provided, multiple submitters, no conflicts (2 of 4 stars). 4 submissions from 4 submitters: Likely benign (3). 1 of the submissions does not count toward it. Last evaluated 2025-12-02.

Conditions:
Asphyxiating thoracic dystrophy 5 (SRTD5). Also called: SHORT-RIB THORACIC DYSPLASIA 5 WITH OR WITHOUT POLYDACTYLY; SHORT-RIB THORACIC DYSPLASIA 5 WITHOUT POLYDACTYLY. Identifiers: Orphanet 474, MedGen C3280598, MONDO:0013717, OMIM 614376.
Senior-Loken syndrome 8 (SLSN8). Identifiers: Orphanet 3156, MedGen C4225376, MONDO:0014579, OMIM 616307.
WDR19-related disorder. Also called: WDR19-related disorders; WDR19-related condition. Identifiers: MedGen CN380161.

Allele frequency attached by ClinVar (database versions not stated): ExAC 0.00002; gnomAD 0.00005 and 0.00006; gnomAD exomes 0.00005; TOPMed 0.00019.
gnomAD v4.1: 51 of 1,613,136 alleles (0.0032%); highest among the groups gnomAD compares: Admixed American, 0.022%; no homozygotes.

Submissions (4):

Labcorp Genetics (formerly Invitae), Labcorp
Classification: Likely benign for Senior-Loken syndrome 8; Asphyxiating thoracic dystrophy 5. Last evaluated: 2025-12-02. Review status: criteria provided, single submitter. Criteria: Invitae Variant Classification Sherloc (09022015). Collection method: clinical testing. Allele origin: germline.

Blueprint Genetics
Classification: Likely benign. Last evaluated: 2021-05-11. Review status: criteria provided, single submitter. Criteria: ACMG Guidelines, 2015. Collection method: clinical testing. Allele origin: germline.

ARUP Laboratories, Molecular Genetics and Genomics, ARUP Laboratories
Classification: Likely benign. Last evaluated: 2019-07-28. Review status: criteria provided, single submitter. Criteria: ARUP Molecular Germline Variant Investigation Process. Collection method: clinical testing. Allele origin: germline.

PreventionGenetics, part of Exact Sciences
Classification: Likely benign for WDR19-related condition. Last evaluated: 2019-12-20. Review status: no assertion criteria provided. Collection method: clinical testing. Allele origin: germline. Not counted in ClinVar's aggregate classification.
Comment: This variant is classified as likely benign based on ACMG/AMP sequence variant interpretation guidelines (Richards et al. 2015 PMID: 25741868, with internal and published modifications).